The following is an entry in ClinVar:

NM_001042432.2(CLN3):c.317T>A (p.Leu106His)

Gene: CLN3 (CLN3 lysosomal/endosomal transmembrane protein, battenin; minus strand). Cytogenetic location: 16p12.1.
Variant type: single nucleotide variant.
Coding change: c.317T>A on transcript NM_001042432.2 (MANE Select); coding-DNA position 317, T replaced by A.
Protein change: p.Leu106His; replaces leucine 106 with histidine.
Molecular consequence: missense variant. On other transcripts: intron variant (1).
Genome position (GRCh38, 1-based): chr16:28,487,719, A>T on the plus strand (T>A on the coding strand, the complement: CLN3 is on the minus strand). VCF-style: chr16-28487719-A-T. GRCh37 (hg19) VCF-style: chr16-28499040-A-T.
Other names: c.317T>A, p.Leu106His (NM_000086.2); c.245T>A, p.Leu82His (NM_001286104.2); c.83T>A, p.Leu28His (NM_001286109.2); c.155T>A, p.Leu52His (NM_001286110.2); c.75-178T>A (NM_001286105.2); short protein forms L106H, L28H, L52H, L82H.
Identifiers: ClinVar variation 1065784 (VCV001065784.1), dbSNP rs2046245840, ClinGen allele CA395346119.

ClinVar aggregate classification (germline): Uncertain significance (1 of 4 stars; one submission).

Conditions:
Neuronal ceroid lipofuscinosis 3 (CLN3). Identifiers: Orphanet 228346, MedGen C0751383, MONDO:0008767, OMIM 204200.

Allele frequency attached by ClinVar (database versions not stated): TOPMed below 0.00001.

Submission:

Ocular Genomics Institute, Massachusetts Eye and Ear
Classification: Uncertain significance for Neuronal ceroid lipofuscinosis 3. Last evaluated: 2021-04-08. Review status: criteria provided, single submitter. Criteria: ACMG Guidelines, 2015. Collection method: research. Allele origin: germline. Affected: yes.
Comment: Through a review of available evidence we were able to apply the following criteria: PM2. Based on this evidence we have classified this variant as Variant of Uncertain Significance.